The following is an entry in ClinVar:

NM_003482.4(KMT2D):c.6742C>G (p.Arg2248Gly)

Gene: KMT2D (lysine methyltransferase 2D; minus strand). Cytogenetic location: 12q13.12.
Variant type: single nucleotide variant.
Coding change: c.6742C>G on transcript NM_003482.4 (MANE Select); coding-DNA position 6742, C replaced by G.
Protein change: p.Arg2248Gly; replaces arginine 2248 with glycine.
Molecular consequence: missense variant.
Genome position (GRCh38, 1-based): chr12:49,041,028, G>C on the plus strand (C>G on the coding strand, the complement: KMT2D is on the minus strand). VCF-style: chr12-49041028-G-C. GRCh37 (hg19) VCF-style: chr12-49434811-G-C.
Other names: short protein forms R2248G.
Identifiers: ClinVar variation 4982615 (VCV004982615.1).

ClinVar aggregate classification (germline): Uncertain significance (1 of 4 stars; one submission).

Conditions:
KMT2D-related disorder. Also called: KMT2D-Related Disorders.

gnomAD v4.1: 4 of 1,571,630 alleles (0.00025%); highest among the groups gnomAD compares: African/African-American, 0.0041%; no homozygotes.

Submission:

PreventionGenetics, part of Exact Sciences
Classification: Uncertain significance for KMT2D-related condition. Last evaluated: 2025-03-19. Review status: criteria provided, single submitter. Criteria: ACMG Guidelines, 2015. Collection method: clinical testing. Allele origin: germline.
Comment: The KMT2D c.6742C>G variant is predicted to result in the amino acid substitution p.Arg2248Gly. To our knowledge, this variant has not been reported in the literature. This variant is reported in 0.0066% of alleles in individuals of African descent in gnomAD. At this time, the clinical significance of this variant is uncertain due to the absence of conclusive functional and genetic evidence.